The following is an entry in ClinVar:

ClinVar aggregate classification (germline): Uncertain significance (1 of 4 stars; one submission).

gnomAD v4.1: 3 of 1,614,114 alleles (0.00019%); highest among the groups gnomAD compares: Non-Finnish European, 0.00025%; no homozygotes.

Submission:

GeneDx
Classification: Uncertain significance. Last evaluated: 2025-01-03. Review status: criteria provided, single submitter. Criteria: GeneDx Variant Classification Process June 2021. Collection method: clinical testing. Allele origin: germline. Affected: yes.
Comment: Not observed at significant frequency in large population cohorts (gnomAD); In silico analysis indicates that this missense variant does not alter protein structure/function; Has not been previously published as pathogenic or benign to our knowledge

NM_013275.6(ANKRD11):c.3294C>A (p.Asp1098Glu)

Gene: ANKRD11 (ankyrin repeat domain containing 11; minus strand). Cytogenetic location: 16q24.3.
Variant type: single nucleotide variant.
Coding change: c.3294C>A on transcript NM_013275.6 (MANE Select); coding-DNA position 3294, C replaced by A.
Protein change: p.Asp1098Glu; replaces aspartic acid 1098 with glutamic acid.
Molecular consequence: missense variant.
Genome position (GRCh38, 1-based): chr16:89,283,248, G>T on the plus strand (C>A on the coding strand, the complement: ANKRD11 is on the minus strand). VCF-style: chr16-89283248-G-T. GRCh37 (hg19) VCF-style: chr16-89349656-G-T.
Other names: c.3294C>A, p.Asp1098Glu (NM_001256182.2, NM_001256183.2); short protein forms D1098E.
Identifiers: ClinVar variation 4055963 (VCV004055963.1).